The following is an entry in ClinVar:

NM_006231.4(POLE):c.3378+2T>C

Gene: POLE (DNA polymerase epsilon, catalytic subunit; minus strand). Cytogenetic location: 12q24.33.
Variant type: single nucleotide variant.
Coding change: c.3378+2T>C on transcript NM_006231.4 (MANE Select); the canonical splice donor site of the intron after coding-DNA position 3378, T replaced by C.
Molecular consequence: splice donor variant.
Genome position (GRCh38, 1-based): chr12:132,657,866, A>G on the plus strand (T>C on the coding strand, the complement: POLE is on the minus strand). VCF-style: chr12-132657866-A-G. GRCh37 (hg19) VCF-style: chr12-133234452-A-G.
Identifiers: ClinVar variation 3723009 (VCV003723009.2).

ClinVar aggregate classification (germline): Likely pathogenic (1 of 4 stars; one submission).

Submission:

Labcorp Genetics (formerly Invitae), Labcorp
Classification: Likely pathogenic. Last evaluated: 2024-10-16. Review status: criteria provided, single submitter. Criteria: Invitae Variant Classification Sherloc (09022015). Collection method: clinical testing. Allele origin: germline.
Comment: This sequence change affects a donor splice site in intron 27 of the POLE gene. It is expected to disrupt RNA splicing. Variants that disrupt the donor or acceptor splice site typically lead to a loss of protein function (PMID: 16199547), and loss-of-function variants in POLE are known to be pathogenic (PMID: 23230001, 25948378, 30503519). This variant is not present in population databases (gnomAD no frequency). This variant has not been reported in the literature in individuals affected with POLE-related conditions. Algorithms developed to predict the effect of sequence changes on RNA splicing suggest that this variant may disrupt the consensus splice site. In summary, the currently available evidence indicates that the variant is pathogenic, but additional data are needed to prove that conclusively. Therefore, this variant has been classified as Likely Pathogenic.

Literature cited by the submitters: PubMed 16199547; PubMed 23230001; PubMed 25948378; PubMed 30503519.